The following is an entry in ClinVar:

NM_001103.4(ACTN2):c.153C>T (p.His51=)

Gene: ACTN2 (actinin alpha 2; plus strand). Cytogenetic location: 1q43.
Variant type: single nucleotide variant.
Coding change: c.153C>T on transcript NM_001103.4 (MANE Select); coding-DNA position 153, C replaced by T.
Protein change: p.His51=; no amino-acid change (histidine 51 retained).
Molecular consequence: synonymous variant. On other transcripts: 5 prime UTR variant (1).
Genome position (GRCh38, 1-based): chr1:236,717,884, C>T. VCF-style: chr1-236717884-C-T. GRCh37 (hg19) VCF-style: chr1-236881184-C-T.
Other names: c.153C>T, p.His51= (NM_001278343.2); c.-669C>T (NM_001278344.2).
Identifiers: ClinVar variation 389659 (VCV000389659.9), dbSNP rs1057523501, ClinGen allele CA16603534.

ClinVar aggregate classification (germline): Likely benign. Review status: criteria provided, multiple submitters, no conflicts (2 of 4 stars). 2 submissions from 2 submitters: Likely benign (2). Last evaluated 2023-10-07.

Conditions:
Primary familial hypertrophic cardiomyopathy (HCM). Identifiers: Orphanet 99739, MedGen C0949658, MeSH D024741, MONDO:0024573. Inheritance: Various modes of inheritance.
Dilated cardiomyopathy 1AA (CMD1AA). Also called: Cardiomyopathy, dilated, 1AA, with or without LVNC; CARDIOMYOPATHY, FAMILIAL HYPERTROPHIC, 23, WITH OR WITHOUT LEFT VENTRICULAR NONCOMPACTION; CARDIOMYOPATHY, DILATED, 1AA, WITH OR WITHOUT LEFT VENTRICULAR NONCOMPACTION. Identifiers: Orphanet 154, MedGen C2677338, MONDO:0012808, OMIM 612158.

Allele frequency attached by ClinVar (database versions not stated): TOPMed below 0.00001; gnomAD exomes 0.00001.
gnomAD v4.1: 9 of 1,614,106 alleles (0.00056%); highest among the groups gnomAD compares: Non-Finnish European, 0.00076%; no homozygotes.

Submissions (2):

Labcorp Genetics (formerly Invitae), Labcorp
Classification: Likely benign for Primary familial hypertrophic cardiomyopathy; Dilated cardiomyopathy 1AA. Last evaluated: 2023-10-07. Review status: criteria provided, single submitter. Criteria: Invitae Variant Classification Sherloc (09022015). Collection method: clinical testing. Allele origin: germline.

GeneDx
Classification: Likely benign. Last evaluated: 2016-10-04. Review status: criteria provided, single submitter. Criteria: GeneDx Variant Classification (06012015). Collection method: clinical testing. Allele origin: germline. Affected: yes.
Comment: This variant is considered likely benign or benign based on one or more of the following criteria: it is a conservative change, it occurs at a poorly conserved position in the protein, it is predicted to be benign by multiple in silico algorithms, and/or has population frequency not consistent with disease.